The following is an entry in ClinVar:

ClinVar aggregate classification (germline): Uncertain significance (0 of 4 stars; one submission).

Conditions:
PLCB4-related disorder. Also called: PLCB4-related condition.

Submission:

PreventionGenetics, part of Exact Sciences
Classification: Uncertain significance for PLCB4-related condition. Last evaluated: 2024-05-03. Review status: no assertion criteria provided. Collection method: clinical testing. Allele origin: germline.
Comment: The PLCB4 c.2907C>G variant is predicted to result in the amino acid substitution p.Asp969Glu. To our knowledge, this variant has not been reported in the literature or in a large population database, indicating this variant is rare. At this time, the clinical significance of this variant is uncertain due to the absence of conclusive functional and genetic evidence.

NM_001377142.1(PLCB4):c.2943C>G (p.Asp981Glu)

Gene: PLCB4 (phospholipase C beta 4; plus strand). Cytogenetic location: 20p12.2.
Variant type: single nucleotide variant.
Coding change: c.2943C>G on transcript NM_001377142.1 (MANE Select); coding-DNA position 2943, C replaced by G.
Protein change: p.Asp981Glu; replaces aspartic acid 981 with glutamic acid.
Molecular consequence: missense variant.
Genome position (GRCh38, 1-based): chr20:9,453,409, C>G. VCF-style: chr20-9453409-C-G. GRCh37 (hg19) VCF-style: chr20-9434056-C-G.
Other names: c.2907C>G, p.Asp969Glu (NM_000933.4, NM_001377134.2, NM_001377135.1 and 2 more transcripts); c.2943C>G, p.Asp981Glu (NM_001172646.2, NM_001377143.1); short protein forms D969E, D981E.
Identifiers: ClinVar variation 3347581 (VCV003347581.1).
Genomic context (GRCh38, chr20:9,453,409, plus strand): 5'-ACACAGTACCATGCAGAAGTTACACTGCACGCAAGTTGACAAAATTGTGGCACAGTATGA[C>G]AAAGAGAAGTCGACTCATGAGAAAATCCTAGAGAAGGCAATGAAGAAGAAGGGGTAATAC-3'
Protein context (NP_001364071.1, residues 971-991): TQVDKIVAQY[Asp981Glu]KEKSTHEKIL